The following is an entry in ClinVar:

NM_000032.5(ALAS2):c.-16+15C>T

Genes: ALAS2 (5'-aminolevulinate synthase 2; minus strand), PAGE2B (PAGE family member 2B; plus strand), LOC108663984 (ALAS2 intron 1 and 3 erythroid regulatory elements; plus strand). Cytogenetic location: Xp11.21.
Variant type: single nucleotide variant.
Coding change: c.-16+15C>T on transcript NM_000032.5 (MANE Select); 15 bases into the intron after 16 bases upstream of the start codon, C replaced by T.
Molecular consequence: intron variant.
Genome position (GRCh38, 1-based): chrX:55,030,927, G>A on the plus strand (C>T on the coding strand, the complement: ALAS2 is on the minus strand). VCF-style: chrX-55030927-G-A. GRCh37 (hg19) VCF-style: chrX-55057360-G-A.
Other names: c.-16+15C>T (NM_001037967.4); c.-51+15C>T (NM_001037968.4).
Identifiers: ClinVar variation 682557 (VCV000682557.1), dbSNP rs1322709861, ClinGen allele CA641383489.

ClinVar aggregate classification (germline): Likely benign (1 of 4 stars; one submission).

Allele frequency attached by ClinVar (database versions not stated): gnomAD 0.00003; TOPMed 0.00003; gnomAD exomes 0.00005 and 0.00007.
gnomAD v4.1: 14 of 340,224 alleles (0.0041%); no homozygotes.

Submission:

GeneDx
Classification: Likely benign. Last evaluated: 2018-05-09. Review status: criteria provided, single submitter. Criteria: GeneDx Variant Classification (06012015). Collection method: clinical testing. Allele origin: germline. Affected: yes.
Comment: This variant is considered likely benign or benign based on one or more of the following criteria: it is a conservative change, it occurs at a poorly conserved position in the protein, it is predicted to be benign by multiple in silico algorithms, and/or has population frequency not consistent with disease.